The following is an entry in ClinVar:

NM_198578.4(LRRK2):c.*1429C>G

Gene: LRRK2 (leucine rich repeat kinase 2; plus strand). Cytogenetic location: 12q12.
Variant type: single nucleotide variant.
Coding change: c.*1429C>G on transcript NM_198578.4 (MANE Select); 1429 bases downstream of the stop codon, C replaced by G.
Molecular consequence: 3 prime UTR variant.
Genome position (GRCh38, 1-based): chr12:40,369,194, C>G. VCF-style: chr12-40369194-C-G. GRCh37 (hg19) VCF-style: chr12-40762996-C-G.
Identifiers: ClinVar variation 883735 (VCV000883735.5), dbSNP rs142051987, ClinGen allele CA235362865.

ClinVar aggregate classification (germline): Likely benign. Review status: criteria provided, multiple submitters, no conflicts (2 of 4 stars). 2 submissions from 2 submitters: Likely benign (2). Last evaluated 2018-01-12.

Conditions:
Autosomal dominant Parkinson disease 8. Also called: Parkinson disease 8, susceptibility to; LRRK2-Related Parkinson Disease; Parkinson disease 8. Identifiers: Orphanet 411602, MedGen C1846862, MONDO:0011764, OMIM 607060.

Allele frequency attached by ClinVar (database versions not stated): TOPMed 0.00015; 1000 Genomes Project 0.00120; 1000 Genomes Project 30x 0.00125.
gnomAD v4.1: 15 of 151,576 alleles (0.0099%); highest among the groups gnomAD compares: East Asian, 0.29%; no homozygotes.

Submissions (2):

Illumina Laboratory Services, Illumina
Classification: Likely benign for Autosomal dominant Parkinson disease 8. Last evaluated: 2018-01-12. Review status: criteria provided, single submitter. Criteria: ICSL Variant Classification Criteria 13 December 2019. Collection method: clinical testing. Allele origin: germline.
Comment: This variant was observed in the ICSL laboratory as part of a predisposition screen in an ostensibly healthy population. It had not been previously curated by ICSL or reported in the Human Gene Mutation Database (HGMD: prior to June 1st, 2018), and was therefore a candidate for classification through an automated scoring system. Utilizing variant allele frequency, disease prevalence and penetrance estimates, and inheritance mode, an automated score was calculated to assess if this variant is too frequent to cause the disease. Based on the score and internal cut-off values, a variant classified as likely benign is not then subjected to further curation. The score for this variant resulted in a classification of likely benign for this disease.

Breakthrough Genomics
Classification: Likely benign. Review status: criteria provided, single submitter. Criteria: ACMG Guidelines, 2015. Collection method: not provided. Allele origin: germline. Inheritance: Autosomal dominant inheritance. Affected: yes.